The following is an entry in ClinVar:

NM_004415.4(DSP):c.1812del (p.Asp604fs)

Gene: DSP (desmoplakin; plus strand). Cytogenetic location: 6p24.3.
Variant type: Deletion.
Coding change: c.1812del on transcript NM_004415.4 (MANE Select); coding-DNA position 1812, one base deleted (C; older notation c.1812delC).
Protein change: p.Asp604fs; shifts the reading frame from aspartic acid 604.
Molecular consequence: frameshift variant.
Genome position (GRCh38, 1-based): chr6:7,571,493, C deleted. VCF-style (leftmost placement, unchanged base first): chr6-7571492-AC-A. GRCh37 (hg19) VCF-style: chr6-7571725-AC-A.
Other names: c.1812del, p.Asp604fs (NM_001008844.3, NM_001319034.2); short protein forms D604fs.
Identifiers: ClinVar variation 3224215 (VCV003224215.1), dbSNP rs2533894237, ClinGen allele CA2825001480.

ClinVar aggregate classification (germline): Pathogenic (1 of 4 stars; one submission).

Conditions:
Cardiovascular phenotype. Identifiers: MedGen CN230736.

Submission:

Ambry Genetics
Classification: Pathogenic for Cardiovascular phenotype. Last evaluated: 2024-02-08. Review status: criteria provided, single submitter. Criteria: Ambry Variant Classification Scheme 2023. Collection method: clinical testing. Allele origin: germline.
Comment: The c.1812delC pathogenic mutation, located in coding exon 14 of the DSP gene, results from a deletion of one nucleotide at nucleotide position 1812, causing a translational frameshift with a predicted alternate stop codon (p.D604Efs*32). This variant is considered to be rare based on population cohorts in the Genome Aggregation Database (gnomAD). Alterations in DSP that result in haploinsufficiency or protein truncation have been reported in patients with arrhythmogenic right ventricular cardiomyopathy (ARVC) and dilated cardiomyopathy (DCM) (Fressart V et al. Europace. 2010;12(6):861-8; Elliott P et al. Circ Cardiovasc Genet. 2010;3(4):314-22; Quarta G et al. Circulation. 2011;123(23):2701-9; Garcia-Pavia P et al. Heart. 2011;97(21):1744-52; Rasmussen TB et al. Clin Genet.2013;84(1):20-30; Pugh TJ et al. Genet Med. 2014;16(8):601-8). This alteration is expected to result in loss of function by premature protein truncation or nonsense-mediated mRNA decay. Based on the supporting evidence, this alteration is interpreted as a disease-causing mutation.